The following is an entry in ClinVar:

ClinVar aggregate classification (germline): Uncertain significance. Review status: criteria provided, multiple submitters, no conflicts (2 of 4 stars). 2 submissions from 2 submitters: Uncertain significance (2). Last evaluated 2024-08-09.

Allele frequency attached by ClinVar (database versions not stated): gnomAD 0.00001; gnomAD exomes 0.00001; TOPMed 0.00001.

Submissions (2):

Blueprint Genetics
Classification: Uncertain significance. Last evaluated: 2024-08-09. Review status: criteria provided, single submitter. Criteria: ACMG Guidelines, 2015. Collection method: clinical testing. Allele origin: germline.

Labcorp Genetics (formerly Invitae), Labcorp
Classification: Uncertain significance. Last evaluated: 2021-09-02. Review status: criteria provided, single submitter. Criteria: Invitae Variant Classification Sherloc (09022015). Collection method: clinical testing. Allele origin: germline.
Comment: This sequence change replaces lysine with asparagine at codon 527 of the KCNV2 protein (p.Lys527Asn). The lysine residue is highly conserved and there is a moderate physicochemical difference between lysine and asparagine. This variant is not present in population databases (ExAC no frequency). This variant has not been reported in the literature in individuals affected with KCNV2-related conditions. Algorithms developed to predict the effect of missense changes on protein structure and function are either unavailable or do not agree on the potential impact of this missense change (SIFT: "Deleterious"; PolyPhen-2: "Probably Damaging"; Align-GVGD: "Class C0"). In summary, the available evidence is currently insufficient to determine the role of this variant in disease. Therefore, it has been classified as a Variant of Uncertain Significance.

NM_133497.4(KCNV2):c.1581G>C (p.Lys527Asn)

Gene: KCNV2 (potassium voltage-gated channel modifier subfamily V member 2; plus strand). Cytogenetic location: 9p24.2.
Variant type: single nucleotide variant.
Coding change: c.1581G>C on transcript NM_133497.4 (MANE Select); coding-DNA position 1581, G replaced by C.
Protein change: p.Lys527Asn; replaces lysine 527 with asparagine.
Molecular consequence: missense variant.
Genome position (GRCh38, 1-based): chr9:2,729,670, G>C. VCF-style: chr9-2729670-G-C. GRCh37 (hg19) VCF-style: chr9-2729670-G-C.
Other names: short protein forms K527N.
Identifiers: ClinVar variation 1036736 (VCV001036736.7), dbSNP rs1053016624, ClinGen allele CA187990314.
Genomic context (GRCh38, chr9:2,729,670, plus strand): 5'-GTATACCACCATACGCAGGGAGAGGGGAGAGGTGAACTTCATGCAGAGAGCCAGAAAGAA[G>C]ATAGCTGAGTGTTTGCTTGGAAGCAACCCACAGCTCACCCCAAGACAAGAGAATTAGTAT-3'
Protein context (NP_598004.1, residues 517-537): EVNFMQRARK[Lys527Asn]IAECLLGSNP